The following is an entry in ClinVar:

NM_006206.6(PDGFRA):c.1510A>G (p.Lys504Glu)

Gene: PDGFRA (platelet derived growth factor receptor alpha; plus strand). Cytogenetic location: 4q12.
Variant type: single nucleotide variant.
Coding change: c.1510A>G on transcript NM_006206.6 (MANE Select); coding-DNA position 1510, A replaced by G.
Protein change: p.Lys504Glu; replaces lysine 504 with glutamic acid.
Molecular consequence: missense variant.
Genome position (GRCh38, 1-based): chr4:54,273,682, A>G. VCF-style: chr4-54273682-A-G. GRCh37 (hg19) VCF-style: chr4-55139849-A-G.
Other names: c.1510A>G, p.Lys504Glu (NM_001347827.2, NM_001347829.2); c.1585A>G, p.Lys529Glu (NM_001347828.2); c.1549A>G, p.Lys517Glu (NM_001347830.2); short protein forms K529E, K504E, K517E.
Identifiers: ClinVar variation 847095 (VCV000847095.12), dbSNP rs1723541727, ClinGen allele CA356892712.

ClinVar aggregate classification (germline): Uncertain significance. Review status: criteria provided, multiple submitters, no conflicts (2 of 4 stars). 2 submissions from 2 submitters: Uncertain significance (2). Last evaluated 2023-04-22.

Conditions:
Hereditary cancer-predisposing syndrome. Also called: Neoplastic Syndromes, Hereditary; Tumor predisposition; Hereditary Cancer Syndrome; Hereditary neoplastic syndrome. Identifiers: Orphanet 140162, MedGen C0027672, MeSH D009386, MONDO:0015356.
Gastrointestinal stromal tumor. Also called: Gastrointestinal stromal tumor, somatic; Gastrointestinal stroma tumor. Identifiers: Orphanet 44890, MedGen C0238198, MeSH D046152, MONDO:0011719, OMIM 606764, HP:0100723.

Submissions (2):

Ambry Genetics
Classification: Uncertain significance for Hereditary cancer-predisposing syndrome. Last evaluated: 2023-04-22. Review status: criteria provided, single submitter. Criteria: Ambry Variant Classification Scheme 2023. Collection method: clinical testing. Allele origin: germline.
Comment: The p.K504E variant (also known as c.1510A>G), located in coding exon 9 of the PDGFRA gene, results from an A to G substitution at nucleotide position 1510. The lysine at codon 504 is replaced by glutamic acid, an amino acid with similar properties. This amino acid position is conserved. In addition, this alteration is predicted to be tolerated by in silico analysis. Since supporting evidence is limited at this time, the clinical significance of this alteration remains unclear.

Labcorp Genetics (formerly Invitae), Labcorp
Classification: Uncertain significance for Gastrointestinal stromal tumor. Last evaluated: 2019-10-30. Review status: criteria provided, single submitter. Criteria: Invitae Variant Classification Sherloc (09022015). Collection method: clinical testing. Allele origin: germline.
Comment: This variant is not present in population databases (ExAC no frequency). This variant has not been reported in the literature in individuals with PDGFRA-related conditions. Algorithms developed to predict the effect of missense changes on protein structure and function (SIFT, PolyPhen-2, Align-GVGD) all suggest that this variant is likely to be tolerated, but these predictions have not been confirmed by published functional studies and their clinical significance is uncertain. In summary, the available evidence is currently insufficient to determine the role of this variant in disease. Therefore, it has been classified as a Variant of Uncertain Significance. This sequence change replaces lysine with glutamic acid at codon 504 of the PDGFRA protein (p.Lys504Glu). The lysine residue is moderately conserved and there is a small physicochemical difference between lysine and glutamic acid.